The following is an entry in ClinVar:

NM_002519.3(NPAT):c.1541C>T (p.Ser514Leu)

Gene: NPAT (nuclear protein, coactivator of histone transcription; minus strand). Cytogenetic location: 11q22.3.
Variant type: single nucleotide variant.
Coding change: c.1541C>T on transcript NM_002519.3 (MANE Select); coding-DNA position 1541, C replaced by T.
Protein change: p.Ser514Leu; replaces serine 514 with leucine.
Molecular consequence: missense variant.
Genome position (GRCh38, 1-based): chr11:108,173,443, G>A on the plus strand (C>T on the coding strand, the complement: NPAT is on the minus strand). VCF-style: chr11-108173443-G-A. GRCh37 (hg19) VCF-style: chr11-108044170-G-A.
Other names: c.1541C>T, p.Ser514Leu (NM_001321307.1); short protein forms S514L.
Identifiers: ClinVar variation 2443191 (VCV002443191.4), dbSNP rs1591391180, ClinGen allele CA382514910.
Genomic context (GRCh38, chr11:108,173,443, plus strand): 5'-AAAAGTTGAGAACTCTTCCCAGAGAGAATTAAGTTTTCATTGTTAGCTTCACAACCAAGT[G>A]AAACAAATGAAGTTATTGGTATATCAGGCTGATCAGGCTGTAACTGAGATTCACTCGGTA-3'
Protein context (NP_002510.2, residues 504-524): QPDIPITSFV[Ser514Leu]LGCEANNENL

ClinVar aggregate classification (germline): Uncertain significance. Review status: criteria provided, single submitter (1 of 4 stars). 2 submissions from 2 submitters: Uncertain significance (1). 1 of the submissions does not count toward it. Last evaluated 2022-12-17.

Allele frequency attached by ClinVar (database versions not stated): gnomAD exomes 0.00001.
gnomAD v4.1: 4 of 1,614,146 alleles (0.00025%); highest among the groups gnomAD compares: Non-Finnish European, 0.00034%; no homozygotes.

Submissions (2):

Ambry Genetics
Classification: Uncertain significance. Last evaluated: 2022-12-17. Review status: criteria provided, single submitter. Criteria: Ambry Variant Classification Scheme 2023. Collection method: clinical testing. Allele origin: germline.
Comment: The p.S514L variant (also known as c.1541C>T), located in coding exon 13 of the NPAT gene, results from a C to T substitution at nucleotide position 1541. The serine at codon 514 is replaced by leucine, an amino acid with dissimilar properties. This amino acid position is conserved. In addition, this alteration is predicted to be tolerated by in silico analysis. Since supporting evidence is limited at this time, the clinical significance of this alteration remains unclear.

Genetic Services Laboratory, University of Chicago
Classification: Uncertain significance. Last evaluated: 2022-07-25. Review status: no assertion criteria provided. Collection method: clinical testing. Allele origin: germline. Affected: no. Not counted in ClinVar's aggregate classification.
Comment: DNA sequence analysis of the NPAT gene demonstrated a sequence change, c.1541C>T, in exon 13 that results in an amino acid change, p.Ser514Leu. This sequence change does not appear to have been previously described in individuals with NPAT-related disorders and has also not been described in population databases such as ExAC and gnomAD. The p.Ser514Leu change affects a moderately conserved amino acid residue located in a domain of the NPAT protein that is not known to be functional. The p.Ser514Leu substitution appears to be benign using several in-silico pathogenicity prediction tools (SIFT, PolyPhen2, Align GVGD, REVEL). Due to insufficient evidences and the lack of functional studies, the clinical significance of the p.Ser514Leu change remains unknown at this time.